The following is an entry in ClinVar:

NM_003105.6(SORL1):c.5192T>C (p.Ile1731Thr)

Gene: SORL1 (sortilin related receptor 1; plus strand). Cytogenetic location: 11q24.1.
Variant type: single nucleotide variant.
Coding change: c.5192T>C on transcript NM_003105.6 (MANE Select); coding-DNA position 5192, T replaced by C.
Protein change: p.Ile1731Thr; replaces isoleucine 1731 with threonine.
Molecular consequence: missense variant.
Genome position (GRCh38, 1-based): chr11:121,608,129, T>C. VCF-style: chr11-121608129-T-C. GRCh37 (hg19) VCF-style: chr11-121478838-T-C.
Other names: short protein forms I1731T.
Identifiers: ClinVar variation 4769347 (VCV004769347.1).

ClinVar aggregate classification (germline): Uncertain significance (1 of 4 stars; one submission).

gnomAD v4.1: 1 of 1,614,112 alleles (0.000062%); highest among the groups gnomAD compares: Non-Finnish European, 0.000085%; no homozygotes.

Submission:

Labcorp Genetics (formerly Invitae), Labcorp
Classification: Uncertain significance. Last evaluated: 2025-11-26. Review status: criteria provided, single submitter. Criteria: Invitae Variant Classification Sherloc (09022015). Collection method: clinical testing. Allele origin: germline.
Comment: This sequence change replaces isoleucine, which is neutral and non-polar, with threonine, which is neutral and polar, at codon 1731 of the SORL1 protein (p.Ile1731Thr). This variant is not present in population databases (gnomAD no frequency). This variant has not been reported in the literature in individuals affected with SORL1-related conditions. An algorithm developed to predict the effect of missense changes on protein structure and function (PolyPhen-2) suggests that this variant is likely to be tolerated. In summary, the available evidence is currently insufficient to determine the role of this variant in disease. Therefore, it has been classified as a Variant of Uncertain Significance.